The following is an entry in ClinVar:

ClinVar aggregate classification (germline): Likely pathogenic (1 of 4 stars; one submission).

Conditions:
alpha Thalassemia. Also called: Alpha thalassemia spectrum. Identifiers: Orphanet 846, MedGen C0002312, MONDO:0011399, OMIM 604131.

gnomAD v4.1: 1 of 386,044 alleles (0.00026%); highest among the groups gnomAD compares: South Asian, 0.0023%; no homozygotes.

Submission:

Natera, Inc.
Classification: Likely pathogenic for Alpha thalassemia. Last evaluated: 2025-10-24. Review status: criteria provided, single submitter. Criteria: Natera Variant Classification Schema (03/2026). Collection method: clinical testing. Allele origin: germline.
Comment: The c.44G>A variant in HBA2 is a nonsense variant predicted to introduce a stop codon at amino acid 15. This variant is expected to result in nonsense mediated decay, truncation, or a dysfunctional protein product. This variant is rare in the general population with a frequency below the threshold expected for the associated phenotype(s). Given the available evidence, this variant is classified as Likely Pathogenic.

NM_000517.6(HBA2):c.44G>A (p.Trp15Ter)

Genes: HBA2 (hemoglobin subunit alpha 2; plus strand), LOC106804612 (hemoglobin subunit alpha 2 recombination region; plus strand). Cytogenetic location: 16p13.3.
Variant type: single nucleotide variant.
Coding change: c.44G>A on transcript NM_000517.6 (MANE Select); coding-DNA position 44, G replaced by A.
Protein change: p.Trp15Ter; replaces tryptophan 15 with a stop codon.
Molecular consequence: nonsense.
Genome position (GRCh38, 1-based): chr16:172,956, G>A. VCF-style: chr16-172956-G-A. GRCh37 (hg19) VCF-style: chr16-222955-G-A.
Other names: short protein forms W15*.
Identifiers: ClinVar variation 4818671 (VCV004818671.1).
Genomic context (GRCh38, chr16:172,956, plus strand): 5'-CTCAGAGAGAACCCACCATGGTGCTGTCTCCTGCCGACAAGACCAACGTCAAGGCCGCCT[G>A]GGGTAAGGTCGGCGCGCACGCTGGCGAGTATGGTGCGGAGGCCCTGGAGAGGTGAGGCTC-3'